The following is an entry in ClinVar:

ClinVar aggregate classification (germline): Uncertain significance (1 of 4 stars; one submission).

Allele frequency attached by ClinVar (database versions not stated): gnomAD exomes below 0.00001.
gnomAD v4.1: 1 of 1,587,656 alleles (0.000063%); highest among the groups gnomAD compares: Non-Finnish European, 0.000086%; no homozygotes.

Submission:

Labcorp Genetics (formerly Invitae), Labcorp
Classification: Uncertain significance. Last evaluated: 2019-09-08. Review status: criteria provided, single submitter. Criteria: Invitae Variant Classification Sherloc (09022015). Collection method: clinical testing. Allele origin: germline.
Comment: In summary, the available evidence is currently insufficient to determine the role of this variant in disease. Therefore, it has been classified as a Variant of Uncertain Significance. Algorithms developed to predict the effect of missense changes on protein structure and function (SIFT, PolyPhen-2, Align-GVGD) all suggest that this variant is likely to be tolerated, but these predictions have not been confirmed by published functional studies and their clinical significance is uncertain. This variant has not been reported in the literature in individuals with PCYT1A-related conditions. This variant is not present in population databases (ExAC no frequency). This sequence change replaces tryptophan with arginine at codon 336 of the PCYT1A protein (p.Trp336Arg). The tryptophan residue is weakly conserved and there is a moderate physicochemical difference between tryptophan and arginine.

NM_001312673.2(PCYT1A):c.1006T>C (p.Trp336Arg)

Gene: PCYT1A (phosphate cytidylyltransferase 1A, choline; minus strand). Cytogenetic location: 3q29.
Variant type: single nucleotide variant.
Coding change: c.1006T>C on transcript NM_001312673.2 (MANE Select); coding-DNA position 1006, T replaced by C.
Protein change: p.Trp336Arg; replaces tryptophan 336 with arginine.
Molecular consequence: missense variant.
Genome position (GRCh38, 1-based): chr3:196,238,786, A>G on the plus strand (T>C on the coding strand, the complement: PCYT1A is on the minus strand). VCF-style: chr3-196238786-A-G. GRCh37 (hg19) VCF-style: chr3-195965657-A-G.
Other names: c.1006T>C, p.Trp336Arg (NM_005017.4); short protein forms W336R.
Identifiers: ClinVar variation 941571 (VCV000941571.6), dbSNP rs1724257323, ClinGen allele CA355607867.
Genomic context (GRCh38, chr3:196,238,786, plus strand): 5'-CCTTGTGCCTGGAGAGATTTGCTGGGGAGCAAGGTGGGGAAGTCTTGCCGGAGAAGGGCC[A>G]TCGGAAAGAGGGGGAGGGGGAGCGCTCGCGAGTAGGGCTGCTGCTGGGGCTCTGCTTCGG-3'
Protein context (NP_001299602.1, residues 326-346): RERSPSPSFR[Trp336Arg]PFSGKTSPPC